The following is an entry in ClinVar:

ClinVar aggregate classification (germline): Uncertain significance (1 of 4 stars; one submission).

Conditions:
Hereditary cancer-predisposing syndrome. Also called: Neoplastic Syndromes, Hereditary; Tumor predisposition; Hereditary neoplastic syndrome; Hereditary Cancer Syndrome. Identifiers: Orphanet 140162, MedGen C0027672, MeSH D009386, MONDO:0015356.

Submission:

Ambry Genetics
Classification: Uncertain significance for Hereditary cancer-predisposing syndrome. Last evaluated: 2026-07-06. Review status: criteria provided, single submitter. Criteria: Ambry Variant Classification Scheme 2023. Collection method: clinical testing. Allele origin: germline.
Comment: The p.G224V variant (also known as c.671G>T), located in coding exon 6 of the NBN gene, results from a G to T substitution at nucleotide position 671. The glycine at codon 224 is replaced by valine, an amino acid with dissimilar properties. This amino acid position is conserved. In addition, this alteration is predicted to be deleterious by in silico analysis. Based on the available evidence, the clinical significance of this variant remains unclear.

NM_002485.5(NBN):c.671G>T (p.Gly224Val)

Gene: NBN (nibrin; minus strand). Cytogenetic location: 8q21.3.
Variant type: single nucleotide variant.
Coding change: c.671G>T on transcript NM_002485.5 (MANE Select); coding-DNA position 671, G replaced by T.
Protein change: p.Gly224Val; replaces glycine 224 with valine.
Molecular consequence: missense variant.
Genome position (GRCh38, 1-based): chr8:89,971,204, C>A on the plus strand (G>T on the coding strand, the complement: NBN is on the minus strand). VCF-style: chr8-89971204-C-A. GRCh37 (hg19) VCF-style: chr8-90983432-C-A.
Other names: c.425G>T, p.Gly142Val (NM_001024688.3, NM_001440379.1, NM_001440380.1); short protein forms G224V, G142V.
Identifiers: ClinVar variation 5025384 (VCV005025384.1).